The following is an entry in ClinVar:

NM_002225.5(IVD):c.618del (p.Ile206fs)

Gene: IVD (isovaleryl-CoA dehydrogenase; plus strand). Cytogenetic location: 15q15.1.
Variant type: Deletion.
Coding change: c.618del on transcript NM_002225.5 (MANE Select); coding-DNA position 618, one base deleted (T; older notation c.618delT).
Protein change: p.Ile206fs; shifts the reading frame from isoleucine 206.
Molecular consequence: frameshift variant. On other transcripts: non-coding transcript variant (1).
Genome position (GRCh38, 1-based): chr15:40,411,622, T deleted; the last of 2 consecutive T bases (chr15:40,411,621-40,411,622); deleting either gives the same sequence. VCF-style (leftmost placement, unchanged base first): chr15-40411620-AT-A. GRCh37 (hg19) VCF-style: chr15-40703819-AT-A.
Other names: c.618delT (NM_002225.5); c.627del (NM_002225.3); c.528del, p.Ile176fs (NM_001159508.3); c.570del, p.Ile190fs (NM_001354597.3); c.618del, p.Ile206fs (NM_001354598.3, NM_001354601.3); c.705del, p.Ile235fs (NM_001354599.3, NM_001354600.3); short protein forms I176fs, I190fs, I206fs, I235fs.
Identifiers: ClinVar variation 459930 (VCV000459930.25), dbSNP rs781630355, ClinGen allele CA7480697.

ClinVar aggregate classification (germline): Pathogenic/Likely pathogenic. Review status: criteria provided, multiple submitters, no conflicts (2 of 4 stars). 8 submissions from 8 submitters: Pathogenic (2); Likely pathogenic (6). Last evaluated 2026-01-29.

Conditions:
Isovaleryl-CoA dehydrogenase deficiency (IVA). Also called: IVD DEFICIENCY; ISOVALERIC ACID CoA DEHYDROGENASE DEFICIENCY; Classic Isovaleric Acidemia; Isovaleric acidemia. Identifiers: Orphanet 33, MedGen C0268575, MONDO:0009475, OMIM 243500.

Submissions (8):

Labcorp Genetics (formerly Invitae), Labcorp
Classification: Pathogenic for Isovaleryl-CoA dehydrogenase deficiency. Last evaluated: 2026-01-29. Review status: criteria provided, single submitter. Criteria: Invitae Variant Classification Sherloc (09022015). Collection method: clinical testing. Allele origin: germline.
Comment: This sequence change creates a premature translational stop signal (p.Ile209Metfs*40) in the IVD gene. It is expected to result in an absent or disrupted protein product. Loss-of-function variants in IVD are known to be pathogenic (PMID: 16602101). The frequency data for this variant in the population databases is considered unreliable, as metrics indicate poor data quality at this position in the gnomAD database. This variant has not been reported in the literature in individuals affected with IVD-related conditions. ClinVar contains an entry for this variant (Variation ID: 459930). For these reasons, this variant has been classified as Pathogenic.

Natera, Inc.
Classification: Likely pathogenic for Isovaleryl-coa dehydrogenase deficiency. Last evaluated: 2026-01-26. Review status: criteria provided, single submitter. Criteria: Natera Variant Classification Schema (03/2026). Collection method: clinical testing. Allele origin: germline.
Comment: The c.627delT variant in IVD is a frameshift variant predicted to shift the reading frame beginning at codon 209 and leads to a stop codon 40 codons downstream. This variant is expected to result in nonsense mediated decay, truncation, or a dysfunctional protein product. This variant is rare in the general population with a frequency below the threshold expected for the associated phenotype(s). Given the available evidence, this variant is classified as Likely Pathogenic.

Dasa
Classification: Likely pathogenic. Last evaluated: 2025-07-29. Review status: criteria provided, single submitter. Criteria: DASA Assertion Criteria. Collection method: clinical testing. Allele origin: germline.
Comment: NM_002225.5(IVD):c.618del (p.Ile206Metfs*40) is a frameshift variant in IVD predicted to alter the reading frame and introduce a premature termination codon and is predicted to result in an absent or altered protein product. Loss of function is an established disease mechanism for IVD-associated disorders. Also, this variant is rare in population databases. Based on the currently available evidence, this variant is classified as likely pathogenic.

Fulgent Genetics
Classification: Likely pathogenic for Isovaleryl-CoA dehydrogenase deficiency. Last evaluated: 2024-05-10. Review status: criteria provided, single submitter. Criteria: ACMG Guidelines, 2015. Collection method: clinical testing. Allele origin: germline.

Baylor Genetics
Classification: Likely pathogenic for Isovaleryl-CoA dehydrogenase deficiency. Last evaluated: 2024-02-12. Review status: criteria provided, single submitter. Criteria: ACMG Guidelines, 2015. Collection method: clinical testing. Allele origin: unknown.

Revvity Omics, Revvity
Classification: Likely pathogenic for Isovaleryl-CoA dehydrogenase deficiency. Last evaluated: 2023-06-27. Review status: criteria provided, single submitter. Criteria: ACMG Guidelines, 2015. Collection method: clinical testing. Allele origin: germline.

Women's Health and Genetics/Laboratory Corporation of America, LabCorp
Classification: Likely pathogenic for Isovaleryl-CoA dehydrogenase deficiency. Last evaluated: 2023-04-12. Review status: criteria provided, single submitter. Criteria: LabCorp Variant Classification Summary - May 2015. Collection method: clinical testing. Allele origin: germline.
Comment: Variant summary: IVD c.618delT (p.Ile206MetfsX40) results in a premature termination codon, predicted to cause a truncation of the encoded protein or absence of the protein due to nonsense mediated decay, which are commonly known mechanisms for disease. Truncations downstream of this position have been classified as pathogenic by our laboratory. The variant allele was found at a frequency of 2.8e-05 in 251488 control chromosomes (gnomAD). c.618delT has been reported in the literature to be found in a cohort of newborns confirmed to have inborn errors of metabolism, however, no further details were provided (Adhikari_2020). These report(s) do not provide unequivocal conclusions about association of the variant with Isovaleryl-CoA Dehydrogenase Deficiency. To our knowledge, no experimental evidence demonstrating an impact on protein function has been reported. Three clinical diagnostic laboratories have submitted clinical-significance assessments for this variant to ClinVar after 2014, and classified the variant as pathogenic (n=2) or VUS (n=1). Based on the evidence outlined above, the variant was classified as likely pathogenic.

GeneDx
Classification: Pathogenic. Last evaluated: 2020-10-27. Review status: criteria provided, single submitter. Criteria: GeneDx Variant Classification Process June 2021. Collection method: clinical testing. Allele origin: germline. Affected: yes.
Comment: Frameshift variant predicted to result in protein truncation or nonsense mediated decay in a gene for which loss-of-function is a known mechanism of disease; Not observed at a significant frequency in large population cohorts (Lek et al., 2016); Has not been previously published as pathogenic or benign to our knowledge

Literature cited by the submitters: PubMed 16602101 (cited by Labcorp Genetics (formerly Invitae), Labcorp); PubMed 32778825 (cited by Women's Health and Genetics/Laboratory Corporation of America, LabCorp).